The following is an entry in ClinVar:

NM_018089.3(ANKZF1):c.1022A>T (p.His341Leu)

Gene: ANKZF1 (ankyrin repeat and zinc finger peptidyl tRNA hydrolase 1; plus strand). Cytogenetic location: 2q35.
Variant type: single nucleotide variant.
Coding change: c.1022A>T on transcript NM_018089.3 (MANE Select); coding-DNA position 1022, A replaced by T.
Protein change: p.His341Leu; replaces histidine 341 with leucine.
Molecular consequence: missense variant.
Genome position (GRCh38, 1-based): chr2:219,233,917, A>T. VCF-style: chr2-219233917-A-T. GRCh37 (hg19) VCF-style: chr2-220098639-A-T.
Other names: c.1022A>T, p.His341Leu (NM_001042410.2); c.392A>T, p.His131Leu (NM_001282792.2); short protein forms H131L, H341L.
Identifiers: ClinVar variation 1461704 (VCV001461704.8), dbSNP rs2106462869, ClinGen allele CA350678162.
Genomic context (GRCh38, chr2:219,233,917, plus strand): 5'-TTTGGGATATCCCCCTCGCCACCCGCAGACCCACCTTCCAAGAGCTACAGCGTGTGCTCC[A>T]TAAGCTGACCACTTTGCATGTCTATGGTGAGCCTTTGCTCCAGATCCCAATTCCCTAGAC-3'
Protein context (NP_060559.2, residues 331-351): PTFQELQRVL[His341Leu]KLTTLHVYEE

ClinVar aggregate classification (germline): Uncertain significance (1 of 4 stars; one submission).

Allele frequency attached by ClinVar (database versions not stated): gnomAD exomes below 0.00001.
gnomAD v4.1: 1 of 1,590,582 alleles (0.000063%); highest among the groups gnomAD compares: Non-Finnish European, 0.000086%; no homozygotes.

Submission:

Labcorp Genetics (formerly Invitae), Labcorp
Classification: Uncertain significance. Last evaluated: 2024-08-11. Review status: criteria provided, single submitter. Criteria: Invitae Variant Classification Sherloc (09022015). Collection method: clinical testing. Allele origin: germline.
Comment: This sequence change replaces histidine, which is basic and polar, with leucine, which is neutral and non-polar, at codon 341 of the ANKZF1 protein (p.His341Leu). This variant is not present in population databases (gnomAD no frequency). This variant has not been reported in the literature in individuals affected with ANKZF1-related conditions. ClinVar contains an entry for this variant (Variation ID: 1461704). An algorithm developed to predict the effect of missense changes on protein structure and function (PolyPhen-2) suggests that this variant is likely to be tolerated. In summary, the available evidence is currently insufficient to determine the role of this variant in disease. Therefore, it has been classified as a Variant of Uncertain Significance.